The following is an entry in ClinVar:

ClinVar aggregate classification (germline): Uncertain significance. Review status: criteria provided, multiple submitters, no conflicts (2 of 4 stars). 2 submissions from 2 submitters: Uncertain significance (2). Last evaluated 2025-11-02.

Conditions:
Tuberous sclerosis 2 (TSC2). Identifiers: Orphanet 805, MedGen C1860707, MONDO:0013199, OMIM 613254.
Hereditary cancer-predisposing syndrome. Also called: Neoplastic Syndromes, Hereditary; Hereditary Cancer Syndrome; Hereditary neoplastic syndrome; Tumor predisposition. Identifiers: Orphanet 140162, MedGen C0027672, MeSH D009386, MONDO:0015356.

Allele frequency attached by ClinVar (database versions not stated): gnomAD exomes below 0.00001.
gnomAD v4.1: 4 of 1,614,150 alleles (0.00025%); highest among the groups gnomAD compares: Non-Finnish European, 0.00034%; no homozygotes.

Submissions (2):

Labcorp Genetics (formerly Invitae), Labcorp
Classification: Uncertain significance for Tuberous sclerosis 2. Last evaluated: 2025-11-02. Review status: criteria provided, single submitter. Criteria: Invitae Variant Classification Sherloc (09022015). Collection method: clinical testing. Allele origin: germline.
Comment: This sequence change replaces leucine, which is neutral and non-polar, with valine, which is neutral and non-polar, at codon 191 of the TSC2 protein (p.Leu191Val). This variant is not present in population databases (gnomAD no frequency). This variant has not been reported in the literature in individuals affected with TSC2-related conditions. ClinVar contains an entry for this variant (Variation ID: 825921). Invitae Evidence Modeling of protein sequence and biophysical properties (such as structural, functional, and spatial information, amino acid conservation, physicochemical variation, residue mobility, and thermodynamic stability) indicates that this missense variant is not expected to disrupt TSC2 protein function with a negative predictive value of 95%. In summary, the available evidence is currently insufficient to determine the role of this variant in disease. Therefore, it has been classified as a Variant of Uncertain Significance.

Ambry Genetics
Classification: Uncertain significance for Hereditary cancer-predisposing syndrome. Last evaluated: 2025-04-10. Review status: criteria provided, single submitter. Criteria: Ambry Variant Classification Scheme 2023. Collection method: clinical testing. Allele origin: germline.
Comment: The p.L191V variant (also known as c.571C>G), located in coding exon 5 of the TSC2 gene, results from a C to G substitution at nucleotide position 571. The leucine at codon 191 is replaced by valine, an amino acid with highly similar properties. This amino acid position is highly conserved in available vertebrate species. In addition, the in silico prediction for this alteration is inconclusive. Since supporting evidence is limited at this time, the clinical significance of this alteration remains unclear.

NM_000548.5(TSC2):c.571C>G (p.Leu191Val)

Gene: TSC2 (TSC complex subunit 2; plus strand). Cytogenetic location: 16p13.3.
Variant type: single nucleotide variant.
Coding change: c.571C>G on transcript NM_000548.5 (MANE Select); coding-DNA position 571, C replaced by G.
Protein change: p.Leu191Val; replaces leucine 191 with valine.
Molecular consequence: missense variant. On other transcripts: intron variant (1).
Genome position (GRCh38, 1-based): chr16:2,055,491, C>G. VCF-style: chr16-2055491-C-G. GRCh37 (hg19) VCF-style: chr16-2105492-C-G.
Other names: c.571C>G, p.Leu191Val (NM_001077183.3, NM_001114382.3, NM_001363528.2 and 3 more transcripts); c.460C>G, p.Leu154Val (NM_001318827.2); c.424C>G, p.Leu142Val (NM_001318829.2); c.604C>G, p.Leu202Val (NM_001318832.2); c.-1-705C>G (NM_001318831.2); short protein forms L154V, L202V, L142V, L191V.
Identifiers: ClinVar variation 825921 (VCV000825921.7), dbSNP rs1555498201, ClinGen allele CA394309676.